The following is an entry in ClinVar:

ClinVar aggregate classification (germline): Uncertain significance (1 of 4 stars; one submission).

Submission:

GeneDx
Classification: Uncertain significance. Last evaluated: 2022-12-20. Review status: criteria provided, single submitter. Criteria: GeneDx Variant Classification Process June 2021. Collection method: clinical testing. Allele origin: germline. Affected: yes.
Comment: Not observed at significant frequency in large population cohorts (gnomAD); In silico analysis supports that this missense variant has a deleterious effect on protein structure/function; Has not been previously published as pathogenic or benign to our knowledge

NM_015057.5(MYCBP2):c.12776C>G (p.Pro4259Arg)

Gene: MYCBP2 (MYC binding protein 2; minus strand). Cytogenetic location: 13q22.3.
Variant type: single nucleotide variant.
Coding change: c.12776C>G on transcript NM_015057.5 (MANE Select); coding-DNA position 12776, C replaced by G.
Protein change: p.Pro4259Arg; replaces proline 4259 with arginine.
Molecular consequence: missense variant.
Genome position (GRCh38, 1-based): chr13:77,061,789, G>C on the plus strand (C>G on the coding strand, the complement: MYCBP2 is on the minus strand). VCF-style: chr13-77061789-G-C. GRCh37 (hg19) VCF-style: chr13-77635924-G-C.
Other names: short protein forms P4259R.
Identifiers: ClinVar variation 2506667 (VCV002506667.1), dbSNP rs1428240360, ClinGen allele CA388371679.